The following is an entry in ClinVar:

ClinVar aggregate classification (germline): Conflicting classifications of pathogenicity. Review status: criteria provided, conflicting classifications (1 of 4 stars). 10 submissions from 10 submitters: Uncertain significance (5); Likely benign (3). 2 of the submissions do not count toward it. Last evaluated 2025-10-24.

Conditions:
Breast-ovarian cancer, familial, susceptibility to, 1 (BROVCA1). Also called: BRCA1 Hereditary Breast and Ovarian Cancer; OVARIAN CANCER, SUSCEPTIBILITY TO. Identifiers: Orphanet 145, MedGen C2676676, MONDO:0011450, OMIM 604370. Disease mechanism: loss of function.
Familial cancer of breast. Also called: hereditary breast carcinoma; BREAST CANCER, FAMILIAL; Hereditary breast cancer. Identifiers: Orphanet 227535, MedGen C0346153, MONDO:0016419, OMIM 114480. Disease mechanism: loss of function.
Fanconi anemia, complementation group S (FANCS). Identifiers: MedGen C4554406, MONDO:0054748, OMIM 617883.
Hereditary cancer-predisposing syndrome. Also called: Hereditary Cancer Syndrome; Hereditary neoplastic syndrome; Neoplastic Syndromes, Hereditary; Tumor predisposition. Identifiers: Orphanet 140162, MedGen C0027672, MeSH D009386, MONDO:0015356.
Hereditary breast ovarian cancer syndrome. Also called: BRCA1- and BRCA2-Associated Hereditary Breast and Ovarian Cancer; Hereditary breast and ovarian cancer syndrome; Hereditary breast and ovarian cancer syndrome (HBOC); Breast and ovarian cancer; Hereditary breast and/or ovarian cancer syndrome; Hereditary breast and ovarian cancer. Identifiers: Orphanet 145, MedGen C0677776, MeSH D061325, MONDO:0003582. Disease mechanism: loss of function.

Allele frequency attached by ClinVar (database versions not stated): gnomAD exomes 0.00002 and 0.00001; gnomAD 0.00004; TOPMed 0.00003.
gnomAD v4.1: 26 of 1,613,854 alleles (0.0016%); highest among the groups gnomAD compares: Admixed American, 0.015%; no homozygotes.

Submissions (10):

Quest Diagnostics Nichols Institute San Juan Capistrano
Classification: Uncertain significance. Last evaluated: 2025-10-24. Review status: criteria provided, single submitter. Criteria: Quest Diagnostics criteria. Collection method: clinical testing. Allele origin: unknown.
Comment: The BRCA1 c.4669G>C (p.Asp1557His) variant has been reported in the published literature in individuals with ovarian cancer (PMIDs: 22711857 (2012), 23633455 (2013)). Assessment of experimental evidence regarding the effect of this variant on protein function suggests the variant may not impact BRCA1 function, however further studies are needed (PMIDs: 28781887 (2016), 29884841 (2019)). The frequency of this variant in the general population (Genome Aggregation Database) is uninformative in the assessment of its pathogenicity. Analysis of this variant using bioinformatics tools for the prediction of the effect of amino acid changes on protein structure and function yielded conflicting predictions that this variant is benign or damaging. Based on the available information, we are unable to determine the clinical significance of this variant.

Labcorp Genetics (formerly Invitae), Labcorp
Classification: Uncertain significance for Hereditary breast ovarian cancer syndrome. Last evaluated: 2025-09-15. Review status: criteria provided, single submitter. Criteria: Invitae Variant Classification Sherloc (09022015). Collection method: clinical testing. Allele origin: germline.
Comment: This sequence change replaces aspartic acid, which is acidic and polar, with histidine, which is basic and polar, at codon 1557 of the BRCA1 protein (p.Asp1557His). This variant is present in population databases (rs80356906, gnomAD 0.01%). This missense change has been observed in individual(s) with ovarian cancer (PMID: 22711857). ClinVar contains an entry for this variant (Variation ID: 55255). Invitae Evidence Modeling of protein sequence and biophysical properties (such as structural, functional, and spatial information, amino acid conservation, physicochemical variation, residue mobility, and thermodynamic stability) indicates that this missense variant is not expected to disrupt BRCA1 protein function with a negative predictive value of 95%. Experimental studies have shown that this missense change does not substantially affect BRCA1 function (PMID: 28781887). In summary, the available evidence is currently insufficient to determine the role of this variant in disease. Therefore, it has been classified as a Variant of Uncertain Significance.

Laboratorio de I+D, Fundación Centro Médico de Asturias
Classification: Likely benign for Hereditary breast ovarian cancer syndrome. Last evaluated: 2025-07-09. Review status: criteria provided, single submitter. Criteria: ACMG Guidelines, 2015. Collection method: clinical testing. Allele origin: germline. Affected: yes.
Comment: BP1+BP4+BP5+PM2_Supporting

Women's Health and Genetics/Laboratory Corporation of America, LabCorp
Classification: Likely benign. Last evaluated: 2023-08-08. Review status: criteria provided, single submitter. Criteria: LabCorp Variant Classification Summary - May 2015. Collection method: clinical testing. Allele origin: germline.
Comment: Variant summary: BRCA1 c.4669G>C (p.Asp1557His) results in a non-conservative amino acid change in the encoded protein sequence. Three of five in-silico tools predict a damaging effect of the variant on protein function. The variant allele was found at a frequency of 1.6e-05 in 251130 control chromosomes. The available data on variant occurrences in the general population are insufficient to allow any conclusion about variant significance. c.4669G>C has been reported in the literature in at-least one individual affected with Ovarian cancer in whom the BRCA1 gene promoter methylation was also identified, thereby supporting a sporadic and/or an alternate etiology of disease (example, Alsop_2012 and George_2013). These report(s) do not provide unequivocal conclusions about association of the variant with Hereditary Breast And Ovarian Cancer Syndrome. At least two publications report experimental evidence evaluating an impact on protein function. These results showed no damaging effect of this variant using a transcriptional activation based assay system (Woods_2016, Fernandes_ 2019). The following publications have been ascertained in the context of this evaluation (PMID: 22711857, 30765603, 23633455, 15385441, 23704879, 28781887). Four submitters have cited clinical-significance assessments for this variant to ClinVar after 2014 (VUS: n=3; LB: n=1). At-least two subvmitters cite overlapping evidence utilized in the context of this evaluation. Based on the evidence outlined above, the variant was classified as likely benign.

Department of Pathology and Laboratory Medicine, Sinai Health System
Classification: Uncertain significance for Familial cancer of breast; Breast-ovarian cancer, familial, susceptibility to, 1; Fanconi anemia, complementation group S. Last evaluated: 2022-07-05. Review status: criteria provided, single submitter. Criteria: ACMG Guidelines, 2015. Collection method: clinical testing. Allele origin: germline. Affected: yes.

Color Diagnostics, LLC DBA Color Health
Classification: Uncertain significance for Hereditary cancer-predisposing syndrome. Last evaluated: 2022-05-09. Review status: criteria provided, single submitter. Criteria: ACMG Guidelines, 2015. Collection method: clinical testing. Allele origin: germline.
Comment: This missense variant replaces aspartic acid with histidine at codon 1557 of the BRCA1 protein. Computational prediction is inconclusive regarding the impact of this variant on protein structure and function (internally defined REVEL score threshold 0.5 < inconclusive < 0.7, PMID: 27666373). A functional study has shown that the mutant protein has transcriptional activity similar to wild type (PMID: 28781887). This variant has been reported in at least one individual affected with ovarian cancer (PMID: 22711857, 23633455). This variant has been identified in 4/251130 chromosomes in the general population by the Genome Aggregation Database (gnomAD). The available evidence is insufficient to determine the role of this variant in disease conclusively. Therefore, this variant is classified as a Variant of Uncertain Significance.

Institute for Clinical Genetics, University Hospital TU Dresden, University Hospital TU Dresden
Classification: Uncertain significance. Last evaluated: 2021-11-03. Review status: criteria provided, single submitter. Criteria: ACMG Guidelines, 2015. Collection method: clinical testing. Allele origin: germline.

Ambry Genetics
Classification: Likely benign for Hereditary cancer-predisposing syndrome. Last evaluated: 2020-07-21. Review status: criteria provided, single submitter. Criteria: Ambry Variant Classification Scheme 2023. Collection method: clinical testing. Allele origin: germline.

Sharing Clinical Reports Project (SCRP)
Classification: Uncertain significance for Breast-ovarian cancer, familial 1. Last evaluated: 2006-06-09. Review status: no assertion criteria provided. Collection method: clinical testing. Allele origin: germline. Not counted in ClinVar's aggregate classification.

Breast Cancer Information Core (BIC) (BRCA1)
Classification: Uncertain significance for Breast-ovarian cancer, familial 1. Last evaluated: 2004-02-20. Review status: no assertion criteria provided. Collection method: clinical testing. Allele origin: germline. Affected: yes. Observed: 1 variant allele. Not counted in ClinVar's aggregate classification.

Literature cited by the submitters: PubMed 33471991 (cited by Quest Diagnostics Nichols Institute San Juan Capistrano); PubMed 15385441 (cited by Quest Diagnostics Nichols Institute San Juan Capistrano and Women's Health and Genetics/Laboratory Corporation of America, LabCorp); PubMed 22711857 (cited by 6 submitters); PubMed 23633455 (cited by 4 submitters); PubMed 23704879 (cited by 3 submitters); PubMed 28781887 (cited by 6 submitters); PubMed 29884841 (cited by Quest Diagnostics Nichols Institute San Juan Capistrano and Ambry Genetics); PubMed 30765603 (cited by Women's Health and Genetics/Laboratory Corporation of America, LabCorp).

NM_007294.4(BRCA1):c.4669G>C (p.Asp1557His)

Gene: BRCA1 (BRCA1 DNA repair associated; minus strand). Cytogenetic location: 17q21.31.
Variant type: single nucleotide variant.
Coding change: c.4669G>C on transcript NM_007294.4 (MANE Select); coding-DNA position 4669, G replaced by C.
Protein change: p.Asp1557His; replaces aspartic acid 1557 with histidine.
Molecular consequence: missense variant. On other transcripts: non-coding transcript variant (1).
Genome position (GRCh38, 1-based): chr17:43,074,337, C>G on the plus strand (G>C on the coding strand, the complement: BRCA1 is on the minus strand). VCF-style: chr17-43074337-C-G. GRCh37 (hg19) VCF-style: chr17-41226354-C-G.
Other names: c.4666G>C, p.Asp1556His (NM_001407617.1, NM_001407618.1, NM_001407619.1 and 17 more transcripts); c.4663G>C, p.Asp1555His (NM_001407636.1, NM_001407637.1, NM_001407638.1 and 14 more transcripts); c.4660G>C, p.Asp1554His (NM_001407644.1, NM_001407645.1); c.4657G>C, p.Asp1553His (NM_001407646.1); c.4543G>C, p.Asp1515His (NM_001407677.1, NM_001407678.1, NM_001407679.1 and 11 more transcripts); c.4540G>C, p.Asp1514His (NM_001407681.1, NM_001407682.1, NM_001407683.1 and 6 more transcripts); c.4669G>C, p.Asp1557His (NM_001407684.1, NM_001407854.1, NM_001407652.1 and 8 more transcripts); c.4525G>C, p.Asp1509His (NM_001407741.1, NM_001407742.1, NM_001407743.1 and 21 more transcripts); and 68 more; short protein forms D1557H, D1510H, D1578H, D453H, D1429H, D1468H, D1486H, D1508H.
Identifiers: ClinVar variation 55255 (VCV000055255.26), dbSNP rs80356906, ClinGen allele CA002955.